The following is an entry in ClinVar:

NM_173500.4(TTBK2):c.3367C>T (p.Arg1123Trp)

Gene: TTBK2 (tau tubulin kinase 2; minus strand). Cytogenetic location: 15q15.2.
Variant type: single nucleotide variant.
Coding change: c.3367C>T on transcript NM_173500.4 (MANE Select); coding-DNA position 3367, C replaced by T.
Protein change: p.Arg1123Trp; replaces arginine 1123 with tryptophan.
Molecular consequence: missense variant.
Genome position (GRCh38, 1-based): chr15:42,746,163, G>A on the plus strand (C>T on the coding strand, the complement: TTBK2 is on the minus strand). VCF-style: chr15-42746163-G-A. GRCh37 (hg19) VCF-style: chr15-43038361-G-A.
Other names: short protein forms R1123W.
Identifiers: ClinVar variation 448758 (VCV000448758.2), dbSNP rs199820364, ClinGen allele CA7516586.

ClinVar aggregate classification (germline): Uncertain significance. Review status: criteria provided, multiple submitters, no conflicts (2 of 4 stars). 2 submissions from 2 submitters: Uncertain significance (2). Last evaluated 2025-10-07.

Allele frequency attached by ClinVar (database versions not stated): gnomAD 0.00002; TOPMed 0.00004; ESP Exome Variant Server 0.00017.
gnomAD v4.1: 36 of 1,614,134 alleles (0.0022%); highest among the groups gnomAD compares: East Asian, 0.022%; no homozygotes.

Submissions (2):

Labcorp Genetics (formerly Invitae), Labcorp
Classification: Uncertain significance. Last evaluated: 2025-10-07. Review status: criteria provided, single submitter. Criteria: Invitae Variant Classification Sherloc (09022015). Collection method: clinical testing. Allele origin: germline.
Comment: This sequence change replaces arginine, which is basic and polar, with tryptophan, which is neutral and slightly polar, at codon 1123 of the TTBK2 protein (p.Arg1123Trp). This variant is present in population databases (rs199820364, gnomAD 0.01%). This variant has not been reported in the literature in individuals affected with TTBK2-related conditions. ClinVar contains an entry for this variant (Variation ID: 448758). An algorithm developed to predict the effect of missense changes on protein structure and function (PolyPhen-2) suggests that this variant is likely to be tolerated. In summary, the available evidence is currently insufficient to determine the role of this variant in disease. Therefore, it has been classified as a Variant of Uncertain Significance.

Athena Diagnostics
Classification: Uncertain significance. Last evaluated: 2016-10-13. Review status: criteria provided, single submitter. Criteria: Athena Diagnostics Criteria. Collection method: clinical testing. Allele origin: germline.